The following is an entry in ClinVar:

ClinVar aggregate classification (germline): Likely benign (1 of 4 stars; one submission).

gnomAD v4.1: 26 of 1,613,480 alleles (0.0016%); highest among the groups gnomAD compares: Non-Finnish European, 0.0021%; no homozygotes.

Submission:

CeGaT Center for Human Genetics Tuebingen
Classification: Likely benign. Last evaluated: 2026-01-01. Review status: criteria provided, single submitter. Criteria: CeGaT Center For Human Genetics Tuebingen Variant Classification Criteria Version 2. Collection method: clinical testing. Allele origin: germline. Affected: yes. Observed: 1 variant allele.
Comment: EZH1: BP4, BP7

NM_001991.5(EZH1):c.369A>G (p.Val123=)

Gene: EZH1 (enhancer of zeste 1 polycomb repressive complex 2 subunit; minus strand). Cytogenetic location: 17q21.2.
Variant type: single nucleotide variant.
Coding change: c.369A>G on transcript NM_001991.5 (MANE Select); coding-DNA position 369, A replaced by G.
Protein change: p.Val123=; no amino-acid change (valine 123 retained).
Molecular consequence: synonymous variant.
Genome position (GRCh38, 1-based): chr17:42,722,913, T>C on the plus strand (A>G on the coding strand, the complement: EZH1 is on the minus strand). VCF-style: chr17-42722913-T-C. GRCh37 (hg19) VCF-style: chr17-40874931-T-C.
Other names: c.387A>G, p.Val129= (NM_001321079.2); c.342A>G, p.Val114= (NM_001321081.2); c.249A>G, p.Val83= (NM_001321082.2).
Identifiers: ClinVar variation 4821045 (VCV004821045.4).